The following is an entry in ClinVar:

ClinVar aggregate classification (germline): Uncertain significance. Review status: criteria provided, multiple submitters, no conflicts (2 of 4 stars). 2 submissions from 2 submitters: Uncertain significance (2). Last evaluated 2025-08-01.

Conditions:
Cardiovascular phenotype. Identifiers: MedGen CN230736.
Hereditary cancer-predisposing syndrome. Also called: Tumor predisposition; Hereditary neoplastic syndrome; Neoplastic Syndromes, Hereditary; Hereditary Cancer Syndrome. Identifiers: Orphanet 140162, MedGen C0027672, MeSH D009386, MONDO:0015356.

Submissions (2):

Ambry Genetics
Classification: Uncertain significance for Cardiovascular phenotype; Hereditary cancer-predisposing syndrome. Last evaluated: 2025-08-01. Review status: criteria provided, single submitter. Criteria: Ambry Variant Classification Scheme 2023. Collection method: clinical testing. Allele origin: germline.
Comment: The p.T137P variant (also known as c.409A>C), located in coding exon 5 of the LZTR1 gene, results from an A to C substitution at nucleotide position 409. The threonine at codon 137 is replaced by proline, an amino acid with highly similar properties. This amino acid position is conserved. In addition, this alteration is predicted to be deleterious by in silico analysis. Based on the available evidence, the clinical significance of this variant remains unclear.

Labcorp Genetics (formerly Invitae), Labcorp
Classification: Uncertain significance. Last evaluated: 2024-12-04. Review status: criteria provided, single submitter. Criteria: Invitae Variant Classification Sherloc (09022015). Collection method: clinical testing. Allele origin: germline.
Comment: This sequence change replaces threonine, which is neutral and polar, with proline, which is neutral and non-polar, at codon 137 of the LZTR1 protein (p.Thr137Pro). This variant is not present in population databases (gnomAD no frequency). This variant has not been reported in the literature in individuals affected with LZTR1-related conditions. Invitae Evidence Modeling of protein sequence and biophysical properties (such as structural, functional, and spatial information, amino acid conservation, physicochemical variation, residue mobility, and thermodynamic stability) indicates that this missense variant is not expected to disrupt LZTR1 protein function with a negative predictive value of 80%. In summary, the available evidence is currently insufficient to determine the role of this variant in disease. Therefore, it has been classified as a Variant of Uncertain Significance.

NM_006767.4(LZTR1):c.409A>C (p.Thr137Pro)

Gene: LZTR1 (leucine zipper like post translational regulator 1; plus strand). Cytogenetic location: 22q11.21.
Variant type: single nucleotide variant.
Coding change: c.409A>C on transcript NM_006767.4 (MANE Select); coding-DNA position 409, A replaced by C.
Protein change: p.Thr137Pro; replaces threonine 137 with proline.
Molecular consequence: missense variant.
Genome position (GRCh38, 1-based): chr22:20,988,018, A>C. VCF-style: chr22-20988018-A-C. GRCh37 (hg19) VCF-style: chr22-21342307-A-C.
Other names: c.409A>C (NM_006767.3); short protein forms T137P.
Identifiers: ClinVar variation 3621502 (VCV003621502.3).
Genomic context (GRCh38, chr22:20,988,018, plus strand): 5'-AATCTCCAAGACTGCCCTTTGGGTTTGACAGTTTCTCACTCTCTTTACTCAGGGGGTTAC[A>C]CTGGGGACATTTATTCCAATTCTAACTTGAAGAATAAAAACGACCTCTTTGAATACAAGT-3'
Protein context (NP_006758.2, residues 127-147): GSSMFVFGGY[Thr137Pro]GDIYSNSNLK